The following is an entry in ClinVar:

NM_000553.6(WRN):c.613C>G (p.Leu205Val)

Gene: WRN (WRN RecQ like helicase; plus strand). Cytogenetic location: 8p12.
Variant type: single nucleotide variant.
Coding change: c.613C>G on transcript NM_000553.6 (MANE Select); coding-DNA position 613, C replaced by G.
Protein change: p.Leu205Val; replaces leucine 205 with valine.
Molecular consequence: missense variant.
Genome position (GRCh38, 1-based): chr8:31,067,141, C>G. VCF-style: chr8-31067141-C-G. GRCh37 (hg19) VCF-style: chr8-30924657-C-G.
Other names: short protein forms L205V.
Identifiers: ClinVar variation 458492 (VCV000458492.8), dbSNP rs756050193, ClinGen allele CA4704111.

ClinVar aggregate classification (germline): Uncertain significance. Review status: criteria provided, single submitter (1 of 4 stars). 2 submissions from 2 submitters: Uncertain significance (1). 1 of the submissions does not count toward it. Last evaluated 2025-05-07.

Conditions:
WRN-related disorder. Also called: WRN-related condition.
Werner syndrome (WRN). Identifiers: Orphanet 902, MedGen C0043119, MONDO:0010196, OMIM 277700.

Allele frequency attached by ClinVar (database versions not stated): ExAC 0.00001; gnomAD 0.00001; gnomAD exomes 0.00002; TOPMed 0.00002.
gnomAD v4.1: 23 of 1,613,774 alleles (0.0014%); highest among the groups gnomAD compares: Non-Finnish European, 0.0019%; no homozygotes.

Submissions (2):

Labcorp Genetics (formerly Invitae), Labcorp
Classification: Uncertain significance for Werner syndrome. Last evaluated: 2025-05-07. Review status: criteria provided, single submitter. Criteria: Invitae Variant Classification Sherloc (09022015). Collection method: clinical testing. Allele origin: germline.
Comment: This sequence change replaces leucine, which is neutral and non-polar, with valine, which is neutral and non-polar, at codon 205 of the WRN protein (p.Leu205Val). This variant is present in population databases (rs756050193, gnomAD 0.003%). This missense change has been observed in individual(s) with a lipid disorder (PMID: 32041611). ClinVar contains an entry for this variant (Variation ID: 458492). An algorithm developed to predict the effect of missense changes on protein structure and function (PolyPhen-2) suggests that this variant is likely to be disruptive. In summary, the available evidence is currently insufficient to determine the role of this variant in disease. Therefore, it has been classified as a Variant of Uncertain Significance.

PreventionGenetics, part of Exact Sciences
Classification: Uncertain significance for WRN-related condition. Last evaluated: 2024-05-16. Review status: no assertion criteria provided. Collection method: clinical testing. Allele origin: germline. Not counted in ClinVar's aggregate classification.
Comment: The WRN c.613C>G variant is predicted to result in the amino acid substitution p.Leu205Val. This variant was reported in an individual with Werner syndrome (Dron et al 2020. PubMed ID: 32041611). This variant is reported in 0.0035% of alleles in individuals of European (Non-Finnish) descent in gnomAD and is listed in ClinVar as uncertain significance. At this time, the clinical significance of this variant is uncertain due to the absence of conclusive functional and genetic evidence.

Literature cited by the submitters: PubMed 32041611 (cited by Labcorp Genetics (formerly Invitae), Labcorp).